The following is an entry in ClinVar:

ClinVar aggregate classification (germline): Pathogenic. Review status: reviewed by expert panel (3 of 4 stars). 5 submissions from 5 submitters: Pathogenic (1). 4 of the submissions do not count toward it. Last evaluated 2017-12-15.

Conditions:
Hereditary cancer-predisposing syndrome. Also called: Tumor predisposition; Neoplastic Syndromes, Hereditary; Hereditary Cancer Syndrome; Hereditary neoplastic syndrome. Identifiers: Orphanet 140162, MedGen C0027672, MeSH D009386, MONDO:0015356.
Hereditary breast ovarian cancer syndrome. Also called: Hereditary breast and ovarian cancer syndrome (HBOC); Hereditary breast and ovarian cancer syndrome; Hereditary breast and ovarian cancer; Hereditary breast and/or ovarian cancer syndrome; Breast and ovarian cancer; BRCA1- and BRCA2-Associated Hereditary Breast and Ovarian Cancer. Identifiers: Orphanet 145, MedGen C0677776, MeSH D061325, MONDO:0003582. Disease mechanism: loss of function.
Breast-ovarian cancer, familial, susceptibility to, 1 (BROVCA1). Also called: OVARIAN CANCER, SUSCEPTIBILITY TO; BRCA1 Hereditary Breast and Ovarian Cancer. Identifiers: Orphanet 145, MedGen C2676676, MONDO:0011450, OMIM 604370. Disease mechanism: loss of function.
Familial cancer of breast. Also called: Hereditary breast cancer; hereditary breast carcinoma; BREAST CANCER, FAMILIAL. Identifiers: Orphanet 227535, MedGen C0346153, MONDO:0016419, OMIM 114480. Disease mechanism: loss of function.

Submissions (5):

Evidence-based Network for the Interpretation of Germline Mutant Alleles (ENIGMA)
Classification: Pathogenic for Breast-ovarian cancer, familial, susceptibility to, 1. Last evaluated: 2017-12-15. Review status: reviewed by expert panel. Criteria: ENIGMA BRCA1/2 Classification Criteria (2017-06-29). Collection method: curation. Allele origin: germline. Study: ENIGMA.
Comment: Variant allele predicted to encode a truncated non-functional protein.

Ambry Genetics
Classification: Pathogenic for Hereditary cancer-predisposing syndrome. Last evaluated: 2025-11-05. Review status: criteria provided, single submitter. Criteria: Ambry Variant Classification Scheme 2023. Collection method: clinical testing. Allele origin: germline. Not counted in ClinVar's aggregate classification.
Comment: The c.1217delA pathogenic mutation, located in coding exon 9 of the BRCA1 gene, results from a deletion of one nucleotide at nucleotide position 1217, causing a translational frameshift with a predicted alternate stop codon (p.N406Mfs*4). This alteration is expected to result in loss of function by premature protein truncation or nonsense-mediated mRNA decay. As such, this alteration is interpreted as a disease-causing mutation.

Labcorp Genetics (formerly Invitae), Labcorp
Classification: Pathogenic for Hereditary breast ovarian cancer syndrome. Last evaluated: 2020-02-17. Review status: criteria provided, single submitter. Criteria: Invitae Variant Classification Sherloc (09022015). Collection method: clinical testing. Allele origin: germline. Not counted in ClinVar's aggregate classification.
Comment: This variant is not present in population databases (ExAC no frequency). For these reasons, this variant has been classified as Pathogenic. Loss-of-function variants in BRCA1 are known to be pathogenic (PMID: 20104584). This variant has been observed in individual(s) with breast cancer (PMID: 9440731). This variant is also known as 1335delA in the literature. ClinVar contains an entry for this variant (Variation ID: 54165). This sequence change creates a premature translational stop signal (p.Asn406Metfs*4) in the BRCA1 gene. It is expected to result in an absent or disrupted protein product.

KCCC/NGS Laboratory, Kuwait Cancer Control Center
Classification: Pathogenic for Breast-ovarian cancer, familial, susceptibility to, 1. Last evaluated: 2023-05-05. Review status: no assertion criteria provided. Collection method: clinical testing. Allele origin: germline. Affected: yes. Not counted in ClinVar's aggregate classification.
Comment: A known pathogenic mutation was detected in the BRCA1 gene (c.1217delA).This sequence change creates a premature translational stop signal (p.Asn406Metfs*4) in the BRCA1 gene. It is expected to result in an absent or disrupted protein product. This variant is not present in population databases (ExAC no frequency). This variant has been observed in individual(s) with breast cancer (PMID: 9440731). This variant is also known as 1335delA in the literature. ClinVar contains an entry for this variant (Variation ID: 54165) with 4 submissions all of which describe this variant as pathogenic. Loss-of-function variants in BRCA1 are known to be pathogenic (PMID: 20104584). Therefore, this variant has been classified as pathogenic.

ClinVar Staff, National Center for Biotechnology Information (NCBI)
No classification provided. Condition: Familial cancer of breast. Review status: no classification provided. Collection method: literature only. Allele origin: germline. Affected: yes. Not counted in ClinVar's aggregate classification.

Literature cited by the submitters: PubMed 20104584 (cited by Labcorp Genetics (formerly Invitae), Labcorp and KCCC/NGS Laboratory, Kuwait Cancer Control Center); PubMed 9440731 (cited by Labcorp Genetics (formerly Invitae), Labcorp and ClinVar Staff, National Center for Biotechnology Information (NCBI)).

NM_007294.4(BRCA1):c.1217del (p.Asn406fs)

Gene: BRCA1 (BRCA1 DNA repair associated; minus strand). Cytogenetic location: 17q21.31.
Variant type: Deletion.
Coding change: c.1217del on transcript NM_007294.4 (MANE Select); coding-DNA position 1217, one base deleted (A; older notation c.1217delA).
Protein change: p.Asn406fs; shifts the reading frame from asparagine 406.
Molecular consequence: frameshift variant. On other transcripts: intron variant (137).
Genome position (GRCh38, 1-based): chr17:43,094,314, T deleted on the plus strand (A on the coding strand, the reverse complement: BRCA1 is on the minus strand); the first of 3 consecutive T bases (chr17:43,094,314-43,094,316); deleting any one gives the same sequence. VCF-style (leftmost placement, unchanged base first): chr17-43094313-AT-A. GRCh37 (hg19) VCF-style: chr17-41246330-AT-A.
Other names: c.1217delA (NM_007294.3, NM_007300.3); c.1004del, p.Asn335fs (NM_001407571.1, NM_001407853.1, NM_001407894.1 and 9 more transcripts); c.1217del, p.Asn406fs (NM_001407581.1, NM_001407582.1, NM_001407583.1 and 30 more transcripts); c.1214del, p.Asn405fs (NM_001407587.1, NM_001407590.1, NM_001407591.1 and 22 more transcripts); c.1208del, p.Asn403fs (NM_001407646.1, NM_001407647.1); c.1094del, p.Asn365fs (NM_001407648.1, NM_001407664.1, NM_001407665.1 and 19 more transcripts); c.1091del, p.Asn364fs (NM_001407649.1, NM_001407670.1, NM_001407671.1 and 11 more transcripts); c.1139del, p.Asn380fs (NM_001407653.1, NM_001407654.1, NM_001407655.1 and 4 more transcripts); and 41 more; short protein forms N406fs, N359fs, N110fs, N238fs, N335fs, N338fs, N339fs, N405fs.
Identifiers: ClinVar variation 54165 (VCV000054165.15), dbSNP rs397508846, ClinGen allele CA000800.
Genomic context (GRCh38, chr17:43,094,313, plus strand): 5'-TGAAGAACCAGAATATTCATCTACCTCATTTAGAACGTCCAATACATCAGCTACTTTGGC[AT>A]TTGATTCAGACTCCCCATCATGTGAGTCATCAGAACCTAACAGTTCATCACTTCTGGAAA-3'